The following is an entry in ClinVar:

ClinVar aggregate classification (germline): Likely benign (1 of 4 stars; one submission).

Conditions:
Multiple endocrine neoplasia type 2A. Also called: Multiple Endocrine Neoplasia Type 2A (MEN2A); MULTIPLE ENDOCRINE NEOPLASIA, TYPE IIA; PTC SYNDROME; SIPPLE SYNDROME; MEN 2A; MEN-2A syndrome. Identifiers: Orphanet 247698, Orphanet 653, MedGen C0025268, MeSH D018813, MONDO:0008234, OMIM 171400.

Submission:

Myriad Genetics, Inc.
Classification: Likely benign for Multiple endocrine neoplasia type 2A. Last evaluated: 2025-02-26. Review status: criteria provided, single submitter. Criteria: Myriad Autosomal Dominant, Autosomal Recessive and X-Linked Classification Criteria (2023). Collection method: clinical testing. Allele origin: unknown.
Comment: This variant is considered likely benign. This variant is intronic and is not expected to impact mRNA splicing.

NM_020975.6(RET):c.2393-10C>T

Gene: RET (ret proto-oncogene; plus strand). Cytogenetic location: 10q11.21.
Variant type: single nucleotide variant.
Coding change: c.2393-10C>T on transcript NM_020975.6 (MANE Select); 10 bases into the intron before coding-DNA position 2393, C replaced by T.
Molecular consequence: intron variant.
Genome position (GRCh38, 1-based): chr10:43,119,521, C>T. VCF-style: chr10-43119521-C-T. GRCh37 (hg19) VCF-style: chr10-43614969-C-T.
Other names: c.2393-10C>T (NM_020630.7, NM_001406743.1, NM_001406744.1 and 2 more transcripts); c.2258-10C>T (NM_001406765.1, NM_001406763.1); c.1997-10C>T (NM_001406772.1, NM_001406769.1); c.1955-10C>T (NM_001406773.1, NM_001406771.1); c.1496-10C>T (NM_001406782.1, NM_001406780.1, NM_001406779.1 and 1 more transcripts); c.1361-10C>T (NM_001406787.1); c.1376-10C>T (NM_001406785.1); c.2264-10C>T (NM_001406764.1, NM_001406762.1, NM_001406761.1); and 10 more.
Identifiers: ClinVar variation 3904540 (VCV003904540.1).